The following continues an entry in ClinVar:

NM_007294.4(BRCA1):c.5357T>C (p.Leu1786Pro)

Gene: BRCA1. ClinVar aggregate classification (germline): Pathogenic. Pathogenic (1).

Submissions 8 to 17 of 17:

Women's Health and Genetics/Laboratory Corporation of America, LabCorp
Classification: Likely pathogenic for Hereditary breast ovarian cancer syndrome. Last evaluated: 2021-07-12. Review status: criteria provided, single submitter. Criteria: LabCorp Variant Classification Summary - May 2015. Collection method: clinical testing. Allele origin: germline. Not counted in ClinVar's aggregate classification.
Comment: Variant summary: BRCA1 c.5357T>C (p.Leu1786Pro) results in a non-conservative amino acid change located in the BRCT domain 2 (IPR001357) of the encoded protein sequence. Four of five in-silico tools predict a damaging effect of the variant on protein function. The variant allele was found at a frequency of 4e-06 in 251444 control chromosomes (gnomAD). c.5357T>C has been reported in the literature in individuals affected with breast and/or ovarian cancer (Meyer_2003, Lu_2015, Zhang_2017, Shao_2019). These data indicate that the variant may be associated with disease. Publications also reported experimental evidence evaluating an impact on protein function, and demonstrated that the variant results in similar levels of cell proliferation and apoptosis as the wild-type in transfected cells (Zhang_2017); however, in several other studies the variant was demonstrated to affect protein function, e.g. resulting in decreased transcriptional activity and defective homology-directed repair(Lu_2015, Findlay_2018, Fernandes_2019, Bouwman_2020). Seven clinical diagnostic laboratories have submitted clinical-significance assessments for this variant to ClinVar after 2014, and classified the variant as VUS (n=3) or likely pathogenic (n=4). Based on the evidence outlined above, the variant was classified as likely pathogenic.

Baylor Genetics
Classification: Likely pathogenic for Breast-ovarian cancer, familial, susceptibility to, 1. Last evaluated: 2021-06-01. Review status: criteria provided, single submitter. Criteria: ACMG Guidelines, 2015. Collection method: clinical testing. Allele origin: unknown. Not counted in ClinVar's aggregate classification.

Breast Center, Key Laboratory of Carcinogenesis and Translational Research
Classification: Uncertain significance for Hereditary breast and ovarian cancer syndrome. Last evaluated: 2020-05-01. Review status: criteria provided, single submitter. Criteria: ACMG Guidelines, 2015. Collection method: clinical testing. Allele origin: germline. Affected: yes. Observed: 2 variant alleles. Not counted in ClinVar's aggregate classification.

GeneDx
Classification: Likely pathogenic. Last evaluated: 2020-01-10. Review status: criteria provided, single submitter. Criteria: GeneDx Variant Classification Process June 2021. Collection method: clinical testing. Allele origin: germline. Affected: yes. Not counted in ClinVar's aggregate classification.
Comment: Observed in individuals with breast and/or ovarian cancer (Meyer 2003, Zhang 2017); Published functional studies support a damaging effect (Lu 2015, Zhang 2017, Findlay 2018, Fernandes 2019); Not observed at a significant frequency in large population cohorts (Lek 2016); In silico analysis, which includes protein predictors and evolutionary conservation, supports a deleterious effect; Also known as 5476T>C; This variant is associated with the following publications: (PMID: 26689913, 10811118, 12938098, 29113215, 28726806, 30765603, 30209399, 18069886, 31825140)

Cancer Variant Interpretation Group UK, Institute of Cancer Research, London
Classification: Likely pathogenic for Hereditary Breast and Ovarian Cancer. Last evaluated: 2019-06-01. Review status: criteria provided, single submitter. Criteria: ACMG Guidelines, 2015. Collection method: clinical testing. Allele origin: germline. Affected: yes. Observed: 1 variant allele. Not counted in ClinVar's aggregate classification.
Comment: Data included in classification: Observed once in 125,722 gnomAD controls. (PM2_sup). Non-functional in SGE haploid BRCA1-assay (Findlay et al. 2018); Lu et al. (2015) homology-directed repair assay PMID: 26689913 (PS3_strong). Variant in BRCT domain (PM1_sup). Data not included in classification: Not observed in 25,773 UK familial cases. UK family 1: Proband was tested in Australia. Molecular report suggests strong segregation with the disease, involving 12 individuals from 5 independent families. Literature: Meyer et al 2003 - PMID: 12938098 (1 family no information about number of individuals). Predicted deleterious by SIFT and MAPP. Predicted benign by Polyphen HumVar and Align GVGD. Additional reports of variant in ClinVar (6), BIC (2) and BRCA1 LOVD (2), UMD(0), HGMD (0). Classified as VUS by Ambry 2017, Gene Dx 2016, Invitae 2018.

Juno Genomics, Hangzhou Juno Genomics, Inc
Classification: Likely pathogenic for Breast-ovarian cancer, familial, susceptibility to, 1. Review status: criteria provided, single submitter. Criteria: ACMG Guidelines, 2015. Collection method: clinical testing. Allele origin: germline. Not counted in ClinVar's aggregate classification.
Comment: Absent from controls (or at extremely low frequency if recessive) in Genome Aggregation Database.;The prevalence of the variant in affected individuals is significantly increased compared to the prevalence in controls.;Well-established in vitro or in vivo functional studies supportive of a damaging effect on the gene or gene product.

Brotman Baty Institute, University of Washington
No classification provided (evidence only). Condition: Breast-ovarian cancer, familial 1. Review status: no classification provided. Collection method: in vitro. Allele origin: not applicable. Functional consequence: functionally_abnormal. Not counted in ClinVar's aggregate classification.
ClinVar note: "not provided" was previously submitted as the classification for the variant. However, the classification appeared to be based only on an observation of functional data so it was converted to no classification on 2025-07-30.

Breast Cancer Information Core (BIC) (BRCA1)
Classification: Uncertain significance for Breast-ovarian cancer, familial 1. Last evaluated: 2013-03-25. Review status: flagged submission. Collection method: clinical testing. Allele origin: germline. Affected: yes. Observed: 2 variant alleles. Not counted in ClinVar's aggregate classification.
ClinVar note: Reason: Claim with insufficient supporting evidence

Sharing Clinical Reports Project (SCRP)
Classification: Uncertain significance for Breast-ovarian cancer, familial 1. Last evaluated: 2010-01-16. Review status: flagged submission. Collection method: clinical testing. Allele origin: germline. Not counted in ClinVar's aggregate classification.
ClinVar note: Reason: Claim with insufficient supporting evidence

Department of Pathology and Laboratory Medicine, Sinai Health System
Classification: Uncertain significance for Malignant tumor of breast. Review status: flagged submission. Collection method: clinical testing. Allele origin: unknown. Affected: yes. Study: The Canadian Open Genetics Repository (COGR). Not counted in ClinVar's aggregate classification.
Comment: The p.Leu1786Pro variant has been reported in the literature in 2 of 251 probands with breast or ovarian cancer (Meyer 2003), but population controls were not included in this study. The p.Leu1786 residue is conserved in mammals but not in lower organisms and computational analyses (SIFT, AlignGVGD) provide inconsistent predictions regarding the impact to the protein and this information is not very predictive of pathogenicity. In summary, based on the above information, the clinical significance of this variant cannot be determined with certainty at this time. This variant is classfied as a variant of unknown significance.
ClinVar note: Reason: Claim with insufficient supporting evidence

Literature cited by the submitters: PubMed 12938098 (cited by 5 submitters); PubMed 26689913 (cited by 6 submitters); PubMed 29113215 (cited by 6 submitters); PubMed 30209399 (cited by 6 submitters); PubMed 30765603 (cited by 5 submitters); PubMed 32546644 (cited by Color Diagnostics, LLC DBA Color Health and Women's Health and Genetics/Laboratory Corporation of America, LabCorp); PubMed 31742824 (cited by Ambry Genetics and Women's Health and Genetics/Laboratory Corporation of America, LabCorp); PubMed 32803532 (cited by Ambry Genetics and Labcorp Genetics (formerly Invitae), Labcorp); PubMed 10811118 (cited by Quest Diagnostics Nichols Institute San Juan Capistrano and Women's Health and Genetics/Laboratory Corporation of America, LabCorp); PubMed 26317927 (cited by Quest Diagnostics Nichols Institute San Juan Capistrano); PubMed 31825140 (cited by Women's Health and Genetics/Laboratory Corporation of America, LabCorp).